The following is an entry in ClinVar:

ClinVar aggregate classification (germline): Conflicting classifications of pathogenicity. Review status: criteria provided, conflicting classifications (1 of 4 stars). 4 submissions from 4 submitters: Uncertain significance (1); Benign (1); Likely benign (2). Last evaluated 2025-12-03.

Conditions:
Birt-Hogg-Dube syndrome. Also called: Birt Hogg Dubé syndrome. Identifiers: Orphanet 122, MedGen C0346010, MONDO:0800444.
Birt-Hogg-Dube syndrome 1 (BHD1). Also called: FIBROFOLLICULOMAS WITH TRICHODISCOMAS AND ACROCHORDONS. Identifiers: Orphanet 122, MedGen CN375946, MONDO:0800445, OMIM 135150.
Hereditary cancer-predisposing syndrome. Also called: Hereditary Cancer Syndrome; Neoplastic Syndromes, Hereditary; Hereditary neoplastic syndrome; Tumor predisposition. Identifiers: Orphanet 140162, MedGen C0027672, MeSH D009386, MONDO:0015356.

Allele frequency attached by ClinVar (database versions not stated): gnomAD 0.00004 and 0.00005; gnomAD exomes 0.00005; TOPMed 0.00005; ExAC 0.00007; 1000 Genomes Project 30x 0.00016; 1000 Genomes Project 0.00020.
gnomAD v4.1: 24 of 1,614,168 alleles (0.0015%); highest among the groups gnomAD compares: East Asian, 0.04%; no homozygotes.

Submissions (4):

Labcorp Genetics (formerly Invitae), Labcorp
Classification: Uncertain significance for Birt-Hogg-Dube syndrome. Last evaluated: 2025-12-03. Review status: criteria provided, single submitter. Criteria: Invitae Variant Classification Sherloc (09022015). Collection method: clinical testing. Allele origin: germline.
Comment: This sequence change replaces serine, which is neutral and polar, with phenylalanine, which is neutral and non-polar, at codon 331 of the FLCN protein (p.Ser331Phe). This variant is present in population databases (rs202215080, gnomAD 0.07%). This variant has not been reported in the literature in individuals affected with FLCN-related conditions. ClinVar contains an entry for this variant (Variation ID: 823563). Invitae Evidence Modeling of protein sequence and biophysical properties (such as structural, functional, and spatial information, amino acid conservation, physicochemical variation, residue mobility, and thermodynamic stability) indicates that this missense variant is not expected to disrupt FLCN protein function with a negative predictive value of 80%. In summary, the available evidence is currently insufficient to determine the role of this variant in disease. Therefore, it has been classified as a Variant of Uncertain Significance.

Myriad Genetics, Inc.
Classification: Likely benign for Birt-Hogg-Dube syndrome 1. Last evaluated: 2024-08-29. Review status: criteria provided, single submitter. Criteria: Myriad Autosomal Dominant, Autosomal Recessive and X-Linked Classification Criteria (2023). Collection method: clinical testing. Allele origin: unknown.
Comment: This variant is considered likely benign. This variant has been observed at a population frequency that is significantly greater than expected given the associated disease prevalence and penetrance.

Ambry Genetics
Classification: Benign for Hereditary cancer-predisposing syndrome. Last evaluated: 2024-03-11. Review status: criteria provided, single submitter. Criteria: Ambry Variant Classification Scheme 2023. Collection method: clinical testing. Allele origin: germline.

Quest Diagnostics Nichols Institute San Juan Capistrano
Classification: Likely benign. Last evaluated: 2021-04-21. Review status: criteria provided, single submitter. Criteria: Quest Diagnostics criteria. Collection method: clinical testing. Allele origin: unknown.

Literature cited by the submitters: PubMed 24728327 (cited by Ambry Genetics); PubMed 28944238 (cited by Ambry Genetics); PubMed 30548481 (cited by Ambry Genetics).

NM_144997.7(FLCN):c.992C>T (p.Ser331Phe)

Gene: FLCN (folliculin; minus strand). Cytogenetic location: 17p11.2.
Variant type: single nucleotide variant.
Coding change: c.992C>T on transcript NM_144997.7 (MANE Select); coding-DNA position 992, C replaced by T.
Protein change: p.Ser331Phe; replaces serine 331 with phenylalanine.
Molecular consequence: missense variant.
Genome position (GRCh38, 1-based): chr17:17,219,089, G>A on the plus strand (C>T on the coding strand, the complement: FLCN is on the minus strand). VCF-style: chr17-17219089-G-A. GRCh37 (hg19) VCF-style: chr17-17122403-G-A.
Other names: c.1046C>T, p.Ser349Phe (NM_001353229.2); c.992C>T, p.Ser331Phe (NM_001353230.2, NM_001353231.2); short protein forms S349F, S331F.
Identifiers: ClinVar variation 823563 (VCV000823563.11), dbSNP rs202215080, ClinGen allele CA8416177.